The following is an entry in ClinVar:

NM_001378457.1(DMXL2):c.6273A>T (p.Glu2091Asp)

Gene: DMXL2 (Dmx like 2; minus strand). Cytogenetic location: 15q21.2.
Variant type: single nucleotide variant.
Coding change: c.6273A>T on transcript NM_001378457.1 (MANE Select); coding-DNA position 6273, A replaced by T.
Protein change: p.Glu2091Asp; replaces glutamic acid 2091 with aspartic acid.
Molecular consequence: missense variant. On other transcripts: non-coding transcript variant (2).
Genome position (GRCh38, 1-based): chr15:51,480,833, T>A on the plus strand (A>T on the coding strand, the complement: DMXL2 is on the minus strand). VCF-style: chr15-51480833-T-A. GRCh37 (hg19) VCF-style: chr15-51773030-T-A.
Other names: c.6273A>T, p.Glu2091Asp (NM_001174116.3, NM_001378458.1, NM_001378459.1 and 4 more transcripts); c.4365A>T, p.Glu1455Asp (NM_001174117.3); c.4254A>T, p.Glu1418Asp (NM_001378460.1); c.6033A>T, p.Glu2011Asp (NM_001378464.1); short protein forms E1418D, E1455D, E2011D, E2091D.
Identifiers: ClinVar variation 1694749 (VCV001694749.31), dbSNP rs1284143090, ClinGen allele CA392443966.

ClinVar aggregate classification (germline): Uncertain significance (1 of 4 stars; one submission).

Submission:

CeGaT Center for Human Genetics Tuebingen
Classification: Uncertain significance. Last evaluated: 2022-05-01. Review status: criteria provided, single submitter. Criteria: CeGaT Center For Human Genetics Tuebingen Variant Classification Criteria Version 2. Collection method: clinical testing. Allele origin: germline. Affected: yes. Observed: 1 variant allele.
Comment: DMXL2: PM2